The following is an entry in ClinVar:

ClinVar aggregate classification (germline): Uncertain significance (1 of 4 stars; one submission).

Submission:

Women's Health and Genetics/Laboratory Corporation of America, LabCorp
Classification: Uncertain significance. Last evaluated: 2023-04-05. Review status: criteria provided, single submitter. Criteria: LabCorp Variant Classification Summary - May 2015. Collection method: clinical testing. Allele origin: germline.
Comment: Variant summary: COG5 c.1779G>T (p.Lys593Asn) results in a non-conservative amino acid change in the encoded protein sequence. Three of four in-silico tools predict a damaging effect of the variant on protein function. Several computational tools predict a significant impact on normal splicing: Four predict the variant weakens a canonical 5' splicing donor site. However, these predictions have yet to be confirmed by functional studies. The variant was absent in 250862 control chromosomes. The available data on variant occurrences in the general population are insufficient to allow any conclusion about variant significance. To our knowledge, no occurrence of c.1779G>T in individuals affected with Congenital Disorder Of Glycosylation, Type 2i and no experimental evidence demonstrating its impact on protein function have been reported. No submitters have provided clinical-significance assessments for this variant to ClinVar after 2014. Based on the evidence outlined above, the variant was classified as uncertain significance.

NM_006348.5(COG5):c.1686G>T (p.Lys562Asn)

Genes: COG5 (component of oligomeric golgi complex 5; minus strand), LOC129389837 (MPRA-validated peak6677 silencer; plus strand). Cytogenetic location: 7q22.3.
Variant type: single nucleotide variant.
Coding change: c.1686G>T on transcript NM_006348.5 (MANE Select); coding-DNA position 1686, G replaced by T.
Protein change: p.Lys562Asn; replaces lysine 562 with asparagine.
Molecular consequence: missense variant. On other transcripts: intron variant (1).
Genome position (GRCh38, 1-based): chr7:107,258,273, C>A on the plus strand (G>T on the coding strand, the complement: COG5 is on the minus strand). VCF-style: chr7-107258273-C-A. GRCh37 (hg19) VCF-style: chr7-106898718-C-A.
Other names: c.1686G>T, p.Lys562Asn (NM_001161520.2, NM_001379513.1, NM_001379514.1 and 1 more transcripts); c.1524G>T, p.Lys508Asn (NM_001379511.1); c.1116G>T, p.Lys372Asn (NM_001379515.1); c.972G>T, p.Lys324Asn (NM_001379516.1); c.1576-9774G>T (NM_001379512.1); c.1779G>T (NM_006348.3); short protein forms K324N, K372N, K508N, K562N.
Identifiers: ClinVar variation 2504025 (VCV002504025.1), dbSNP rs1803035678, ClinGen allele CA368940861.
Genomic context (GRCh38, chr7:107,258,273, plus strand): 5'-CCAAATTTGAGGCAAGAAGAATTTAAAATTAAGTAAAAAAAAACTTAATAAAATAGTTAC[C>A]TTTGTTACTGATTGGTGCAACTTATACAATGAATTCACTACTGCCACATTTCTTCTCTGT-3'
Protein context (NP_006339.4, residues 552-572): SLYKLHQSVT[Lys562Asn]VVSSQSSFPL